The following is an entry in ClinVar:

ClinVar aggregate classification (germline): Benign/Likely benign. Review status: criteria provided, multiple submitters, no conflicts (2 of 4 stars). 7 submissions from 7 submitters: Benign (2); Likely benign (5). Last evaluated 2026-01-26.

Conditions:
CHARGE syndrome (CHARGE). Also called: CHARGE ASSOCIATION--COLOBOMA, HEART ANOMALY, CHOANAL ATRESIA, RETARDATION, GENITAL AND EAR ANOMALIES; Hittner Hirsch Kreh syndrome; Coloboma, heart anomaly, choanal atresia, retardation, genital and ear anomalies; CHARGE association; Hall-Hittner syndrome. Identifiers: Orphanet 138, MedGen C0265354, MONDO:0008965.
Hypogonadotropic hypogonadism 5 with or without anosmia (KAL5). Also called: HYPOGONADOTROPIC HYPOGONADISM 5 WITH ANOSMIA; HYPOGONADOTROPHIC HYPOGONADISM 5 WITHOUT ANOSMIA; CHD7-Related GnRH Deficiency (Kallmann Syndrome 5). Identifiers: Orphanet 478, MedGen C3552553, MONDO:0012880, OMIM 612370. Disease mechanism: loss of function.

Allele frequency attached by ClinVar (database versions not stated): 1000 Genomes Project 30x 0.00016; gnomAD exomes 0.00119 and 0.00088; gnomAD 0.00121 and 0.00126; 1000 Genomes Project 0.00020; TOPMed 0.00131; ExAC 0.00080; ESP Exome Variant Server 0.00102.
gnomAD v4.1: 1,914 of 1,609,450 alleles (0.12%); highest among the groups gnomAD compares: Admixed American, 0.21%; 4 homozygotes.

Submissions (7):

Labcorp Genetics (formerly Invitae), Labcorp
Classification: Benign for CHARGE syndrome. Last evaluated: 2026-01-26. Review status: criteria provided, single submitter. Criteria: Invitae Variant Classification Sherloc (09022015). Collection method: clinical testing. Allele origin: germline.

Blueprint Genetics
Classification: Likely benign. Last evaluated: 2024-11-08. Review status: criteria provided, single submitter. Criteria: ACMG Guidelines, 2015. Collection method: clinical testing. Allele origin: germline.

Fulgent Genetics
Classification: Likely benign for CHD7-related CHARGE syndrome; Hypogonadotropic hypogonadism 5 with or without anosmia. Last evaluated: 2021-08-30. Review status: criteria provided, single submitter. Criteria: ACMG Guidelines, 2015. Collection method: clinical testing. Allele origin: unknown.

Illumina Laboratory Services, Illumina
Classification: Likely benign for Kallmann Syndrome 5. Last evaluated: 2018-01-12. Review status: criteria provided, single submitter. Criteria: ICSL Variant Classification Criteria 13 December 2019. Collection method: clinical testing. Allele origin: germline.
Comment: This variant was observed in the ICSL laboratory as part of a predisposition screen in an ostensibly healthy population. It had not been previously curated by ICSL or reported in the Human Gene Mutation Database (HGMD: prior to June 1st, 2018), and was therefore a candidate for classification through an automated scoring system. Utilizing variant allele frequency, disease prevalence and penetrance estimates, and inheritance mode, an automated score was calculated to assess if this variant is too frequent to cause the disease. Based on the score and internal cut-off values, a variant classified as likely benign is not then subjected to further curation. The score for this variant resulted in a classification of likely benign for this disease.

GeneDx
Classification: Benign. Last evaluated: 2015-03-03. Review status: criteria provided, single submitter. Criteria: GeneDx Variant Classification Process June 2021. Collection method: clinical testing. Allele origin: germline. Affected: yes.

Genetic Services Laboratory, University of Chicago
Classification: Likely benign. Last evaluated: 2013-02-08. Review status: criteria provided, single submitter. Criteria: ACMG Guidelines, 2007. Collection method: clinical testing. Allele origin: germline. Inheritance: Autosomal dominant inheritance.

PreventionGenetics, part of Exact Sciences
Classification: Likely benign. Review status: criteria provided, single submitter. Criteria: ACMG Guidelines, 2015. Collection method: clinical testing. Allele origin: germline.

NM_017780.4(CHD7):c.3522+13T>A

Gene: CHD7 (chromodomain helicase DNA binding protein 7; plus strand). Cytogenetic location: 8q12.2.
Variant type: single nucleotide variant.
Coding change: c.3522+13T>A on transcript NM_017780.4 (MANE Select); 13 bases into the intron after coding-DNA position 3522, T replaced by A.
Molecular consequence: intron variant.
Genome position (GRCh38, 1-based): chr8:60,828,819, T>A. VCF-style: chr8-60828819-T-A. GRCh37 (hg19) VCF-style: chr8-61741378-T-A.
Other names: c.3522+13T>A (LRG_176t1); c.1717-33410T>A (NM_001316690.1).
Identifiers: ClinVar variation 158292 (VCV000158292.23), dbSNP rs199581494, ClinGen allele CA171754.